The following is an entry in ClinVar:

ClinVar aggregate classification (germline): Uncertain significance. Review status: criteria provided, multiple submitters, no conflicts (2 of 4 stars). 3 submissions from 3 submitters: Uncertain significance (3). Last evaluated 2025-11-12.

Conditions:
Cystic fibrosis (CF). Also called: MUCOVISCIDOSIS. Identifiers: Orphanet 586, MedGen C0010674, MONDO:0009061, OMIM 219700. Disease mechanism: loss of function.

Submissions (3):

Ambry Genetics
Classification: Uncertain significance for Cystic fibrosis. Last evaluated: 2025-11-12. Review status: criteria provided, single submitter. Criteria: Ambry Variant Classification Scheme 2023. Collection method: clinical testing. Allele origin: germline.
Comment: The p.I1112S variant (also known as c.3335T>G), located in coding exon 20 of the CFTR gene, results from a T to G substitution at nucleotide position 3335. The isoleucine at codon 1112 is replaced by serine, an amino acid with dissimilar properties. This amino acid position is conserved. In addition, the in silico prediction for this alteration is inconclusive. Based on the available evidence, the clinical significance of this variant remains unclear.

Labcorp Genetics (formerly Invitae), Labcorp
Classification: Uncertain significance for Cystic fibrosis. Last evaluated: 2021-08-28. Review status: criteria provided, single submitter. Criteria: Invitae Variant Classification Sherloc (09022015). Collection method: clinical testing. Allele origin: germline.
Comment: This sequence change replaces isoleucine with serine at codon 1112 of the CFTR protein (p.Ile1112Ser). The isoleucine residue is moderately conserved and there is a large physicochemical difference between isoleucine and serine. This variant is not present in population databases (ExAC no frequency). This variant has not been reported in the literature in individuals affected with CFTR-related conditions. ClinVar contains an entry for this variant (Variation ID: 928504). Algorithms developed to predict the effect of missense changes on protein structure and function (SIFT, PolyPhen-2, Align-GVGD) all suggest that this variant is likely to be tolerated. Algorithms developed to predict the effect of sequence changes on RNA splicing suggest that this variant may create or strengthen a splice site. In summary, the available evidence is currently insufficient to determine the role of this variant in disease. Therefore, it has been classified as a Variant of Uncertain Significance.

Women's Health and Genetics/Laboratory Corporation of America, LabCorp
Classification: Uncertain significance. Last evaluated: 2019-10-21. Review status: criteria provided, single submitter. Criteria: LabCorp Variant Classification Summary - May 2015. Collection method: clinical testing. Allele origin: germline.
Comment: Variant summary: CFTR c.3335T>G (p.Ile1112Ser) results in a non-conservative amino acid change located in the ABC transporter type 1, transmembrane domain (IPR011527) of the encoded protein sequence. Three of five in-silico tools predict a benign effect of the variant on protein function. The variant was absent in 250840 control chromosomes (gnomAD). The available data on variant occurrences in the general population are insufficient to allow any conclusion about variant significance. To our knowledge, no occurrence of c.3335T>G in individuals affected with Cystic Fibrosis and no experimental evidence demonstrating its impact on protein function have been reported. No clinical diagnostic laboratories have submitted clinical-significance assessments for this variant to ClinVar after 2014. Based on the evidence outlined above, the variant was classified as uncertain significance.

NM_000492.4(CFTR):c.3335T>G (p.Ile1112Ser)

Genes: CFTR (CF transmembrane conductance regulator; plus strand), CFTR-AS2 (CFTR antisense RNA 2; minus strand), LOC111674472 (DNase I hypersensitive sites in introns 16 and 17a of CFTR; plus strand). Cytogenetic location: 7q31.2.
Variant type: single nucleotide variant.
Coding change: c.3335T>G on transcript NM_000492.4 (MANE Select); coding-DNA position 3335, T replaced by G.
Protein change: p.Ile1112Ser; replaces isoleucine 1112 with serine.
Molecular consequence: missense variant.
Genome position (GRCh38, 1-based): chr7:117,611,776, T>G. VCF-style: chr7-117611776-T-G. GRCh37 (hg19) VCF-style: chr7-117251830-T-G.
Other names: short protein forms I1112S.
Identifiers: ClinVar variation 928504 (VCV000928504.4), dbSNP rs1792393459, ClinGen allele CA368992573.
Genomic context (GRCh38, chr7:117,611,776, plus strand): 5'-ACCTGTCAACACTGCGCTGGTTCCAAATGAGAATAGAAATGATTTTTGTCATCTTCTTCA[T>G]TGCTGTTACCTTCATTTCCATTTTAACAACAGGTACTATGAACTCATTAACTTTAGCTAA-3'
Protein context (NP_000483.3, residues 1102-1122): RIEMIFVIFF[Ile1112Ser]AVTFISILTT